The following is an entry in ClinVar:

ClinVar aggregate classification (germline): Uncertain significance (1 of 4 stars; one submission).

Conditions:
Familial temporal lobe epilepsy 7. Identifiers: Orphanet 101046, MedGen C4225327, MONDO:0014639, OMIM 616436.
Norman-Roberts syndrome (LIS2). Also called: Lissencephaly 2 (Norman-Roberts type). Identifiers: Orphanet 89844, MedGen C0796089, MONDO:0009760, OMIM 257320.

Allele frequency attached by ClinVar (database versions not stated): gnomAD exomes below 0.00001.
gnomAD v4.1: 1 of 1,614,192 alleles (0.000062%); highest among the groups gnomAD compares: African/African-American, 0.0013%; no homozygotes.

Submission:

Labcorp Genetics (formerly Invitae), Labcorp
Classification: Uncertain significance for Familial temporal lobe epilepsy 7; Norman-Roberts syndrome. Last evaluated: 2023-08-27. Review status: criteria provided, single submitter. Criteria: Invitae Variant Classification Sherloc (09022015). Collection method: clinical testing. Allele origin: germline.
Comment: This variant has not been reported in the literature in individuals affected with RELN-related conditions. Algorithms developed to predict the effect of sequence changes on RNA splicing suggest that this variant is not likely to affect RNA splicing. This variant is not present in population databases (gnomAD no frequency). This sequence change affects codon 2706 of the RELN mRNA. It is a 'silent' change, meaning that it does not change the encoded amino acid sequence of the RELN protein. It affects a nucleotide within the consensus splice site. In summary, the available evidence is currently insufficient to determine the role of this variant in disease. Therefore, it has been classified as a Variant of Uncertain Significance.

NM_005045.4(RELN):c.8118A>G (p.Ser2706=)

Gene: RELN (reelin; minus strand). Cytogenetic location: 7q22.1.
Variant type: single nucleotide variant.
Coding change: c.8118A>G on transcript NM_005045.4 (MANE Select); coding-DNA position 8118, A replaced by G.
Protein change: p.Ser2706=; no amino-acid change (serine 2706 retained).
Molecular consequence: synonymous variant.
Genome position (GRCh38, 1-based): chr7:103,515,186, T>C on the plus strand (A>G on the coding strand, the complement: RELN is on the minus strand). VCF-style: chr7-103515186-T-C. GRCh37 (hg19) VCF-style: chr7-103155633-T-C.
Other names: c.8118A>G, p.Ser2706= (NM_173054.3).
Identifiers: ClinVar variation 2948356 (VCV002948356.3), dbSNP rs1829530583, ClinGen allele CA457029657.